The following is an entry in ClinVar:

ClinVar aggregate classification (germline): Uncertain significance (1 of 4 stars; one submission).

Allele frequency attached by ClinVar (database versions not stated): TOPMed below 0.00001; gnomAD 0.00001; gnomAD exomes 0.00001 and 0.00002; ExAC 0.00002.
gnomAD v4.1: 9 of 1,607,696 alleles (0.00056%); highest among the groups gnomAD compares: Middle Eastern, 0.016%; no homozygotes.

Submission:

Labcorp Genetics (formerly Invitae), Labcorp
Classification: Uncertain significance. Last evaluated: 2021-07-28. Review status: criteria provided, single submitter. Criteria: Invitae Variant Classification Sherloc (09022015). Collection method: clinical testing. Allele origin: germline.
Comment: This sequence change replaces glutamic acid with aspartic acid at codon 586 of the RBP3 protein (p.Glu586Asp). The glutamic acid residue is moderately conserved and there is a small physicochemical difference between glutamic acid and aspartic acid. This variant is present in population databases (rs782128569, ExAC 0.02%). This variant has not been reported in the literature in individuals affected with RBP3-related conditions. Algorithms developed to predict the effect of missense changes on protein structure and function are either unavailable or do not agree on the potential impact of this missense change (SIFT: "Tolerated"; PolyPhen-2: "Possibly Damaging"; Align-GVGD: "Class C0"). In summary, the available evidence is currently insufficient to determine the role of this variant in disease. Therefore, it has been classified as a Variant of Uncertain Significance.

NM_002900.3(RBP3):c.1758A>C (p.Glu586Asp)

Gene: RBP3 (retinol binding protein 3; plus strand). Cytogenetic location: 10q11.22.
Variant type: single nucleotide variant.
Coding change: c.1758A>C on transcript NM_002900.3 (MANE Select); coding-DNA position 1758, A replaced by C.
Protein change: p.Glu586Asp; replaces glutamic acid 586 with aspartic acid.
Molecular consequence: missense variant.
Genome position (GRCh38, 1-based): chr10:47,350,242, A>C. VCF-style: chr10-47350242-A-C. GRCh37 (hg19) VCF-style: chr10-48389120-T-G.
Other names: short protein forms E586D.
Identifiers: ClinVar variation 1407126 (VCV001407126.5), dbSNP rs782128569, ClinGen allele CA5487441.